The following is an entry in ClinVar:

NM_000390.4(CHM):c.1240A>G (p.Arg414Gly)

Gene: CHM (CHM Rab escort protein; minus strand). Cytogenetic location: Xq21.2.
Variant type: single nucleotide variant.
Coding change: c.1240A>G on transcript NM_000390.4 (MANE Select); coding-DNA position 1240, A replaced by G.
Protein change: p.Arg414Gly; replaces arginine 414 with glycine.
Molecular consequence: missense variant.
Genome position (GRCh38, 1-based): chrX:85,911,265, T>C on the plus strand (A>G on the coding strand, the complement: CHM is on the minus strand). VCF-style: chrX-85911265-T-C. GRCh37 (hg19) VCF-style: chrX-85166270-T-C.
Other names: c.796A>G, p.Arg266Gly (NM_001320959.1, NM_001362517.1, NM_001362518.2 and 1 more transcripts); short protein forms R266G, R414G.
Identifiers: ClinVar variation 1384060 (VCV001384060.8), dbSNP rs1927009078, ClinGen allele CA413790234.

ClinVar aggregate classification (germline): Uncertain significance (1 of 4 stars; one submission).

Allele frequency attached by ClinVar (database versions not stated): gnomAD exomes 0.00001.
gnomAD v4.1: 4 of 897,484 alleles (0.00045%); highest among the groups gnomAD compares: Non-Finnish European, 0.00058%; no homozygotes.

Submission:

Labcorp Genetics (formerly Invitae), Labcorp
Classification: Uncertain significance. Last evaluated: 2021-05-17. Review status: criteria provided, single submitter. Criteria: Invitae Variant Classification Sherloc (09022015). Collection method: clinical testing. Allele origin: germline.
Comment: This variant is not present in population databases (ExAC no frequency). This sequence change replaces arginine with glycine at codon 414 of the CHM protein (p.Arg414Gly). The arginine residue is weakly conserved and there is a moderate physicochemical difference between arginine and glycine. This variant has not been reported in the literature in individuals with CHM-related conditions. Algorithms developed to predict the effect of missense changes on protein structure and function output the following: SIFT: "Tolerated"; PolyPhen-2: "Benign"; Align-GVGD: "Class C0". The glycine amino acid residue is found in multiple mammalian species, suggesting that this missense change does not adversely affect protein function. These predictions have not been confirmed by published functional studies and their clinical significance is uncertain. In summary, the available evidence is currently insufficient to determine the role of this variant in disease. Therefore, it has been classified as a Variant of Uncertain Significance.